The following is an entry in ClinVar:

NM_000038.6(APC):c.917G>A (p.Ser306Asn)

Gene: APC (APC regulator of Wnt signaling pathway; plus strand). Cytogenetic location: 5q22.2.
Variant type: single nucleotide variant.
Coding change: c.917G>A on transcript NM_000038.6 (MANE Select); coding-DNA position 917, G replaced by A.
Protein change: p.Ser306Asn; replaces serine 306 with asparagine.
Molecular consequence: missense variant.
Genome position (GRCh38, 1-based): chr5:112,815,577, G>A. VCF-style: chr5-112815577-G-A. GRCh37 (hg19) VCF-style: chr5-112151274-G-A.
Other names: c.917G>A (NM_000038.5); c.917G>A, p.Ser306Asn (NM_001127510.3, NM_001354895.2, NM_001354896.2 and 1 more transcripts); c.863G>A, p.Ser288Asn (NM_001127511.3); c.947G>A, p.Ser316Asn (NM_001354897.2, NM_001354902.2); c.842G>A, p.Ser281Asn (NM_001354898.2, NM_001354904.2); c.833G>A, p.Ser278Asn (NM_001354899.2); c.740G>A, p.Ser247Asn (NM_001354900.2, NM_001354901.2, NM_001354905.2); c.68G>A, p.Ser23Asn (NM_001354906.2); short protein forms S316N, S288N, S306N, S247N, S281N, S23N, S278N.
Identifiers: ClinVar variation 1355651 (VCV001355651.9), dbSNP rs2149763906, ClinGen allele CA16023317.

ClinVar aggregate classification (germline): Uncertain significance. Review status: criteria provided, multiple submitters, no conflicts (2 of 4 stars). 2 submissions from 2 submitters: Uncertain significance (2). Last evaluated 2025-04-18.

Conditions:
Hereditary cancer-predisposing syndrome. Also called: Neoplastic Syndromes, Hereditary; Tumor predisposition; Hereditary neoplastic syndrome; Hereditary Cancer Syndrome. Identifiers: Orphanet 140162, MedGen C0027672, MeSH D009386, MONDO:0015356.
Familial adenomatous polyposis 1 (FAP1). Also called: FAMILIAL ADENOMATOUS POLYPOSIS 1, ATTENUATED; POLYPOSIS, ADENOMATOUS INTESTINAL. Identifiers: MedGen C2713442, MONDO:0021056, OMIM 175100. Disease mechanism: loss of function.

Submissions (2):

Ambry Genetics
Classification: Uncertain significance for Hereditary cancer-predisposing syndrome. Last evaluated: 2025-04-18. Review status: criteria provided, single submitter. Criteria: Ambry Variant Classification Scheme 2023. Collection method: clinical testing. Allele origin: germline.
Comment: The p.S306N variant (also known as c.917G>A), located in coding exon 8 of the APC gene, results from a G to A substitution at nucleotide position 917. The serine at codon 306 is replaced by asparagine, an amino acid with highly similar properties. This amino acid position is conserved. In addition, in silico predictors for this gene do not accurately predict pathogenicity. Based on the available evidence, the clinical significance of this variant remains unclear.

Labcorp Genetics (formerly Invitae), Labcorp
Classification: Uncertain significance for Familial adenomatous polyposis 1. Last evaluated: 2020-10-26. Review status: criteria provided, single submitter. Criteria: Invitae Variant Classification Sherloc (09022015). Collection method: clinical testing. Allele origin: germline.
Comment: In summary, the available evidence is currently insufficient to determine the role of this variant in disease. Therefore, it has been classified as a Variant of Uncertain Significance. Algorithms developed to predict the effect of missense changes on protein structure and function (SIFT, PolyPhen-2, Align-GVGD) all suggest that this variant is likely to be tolerated, but these predictions have not been confirmed by published functional studies and their clinical significance is uncertain. This variant has not been reported in the literature in individuals with APC-related conditions. This variant is not present in population databases (ExAC no frequency). This sequence change replaces serine with asparagine at codon 306 of the APC protein (p.Ser306Asn). The serine residue is highly conserved and there is a small physicochemical difference between serine and asparagine.